The following is an entry in ClinVar:

NM_001367624.2(ZNF469):c.1654G>A (p.Gly552Arg)

Gene: ZNF469 (zinc finger protein 469; plus strand). Cytogenetic location: 16q24.2.
Variant type: single nucleotide variant.
Coding change: c.1654G>A on transcript NM_001367624.2 (MANE Select); coding-DNA position 1654, G replaced by A.
Protein change: p.Gly552Arg; replaces glycine 552 with arginine.
Molecular consequence: missense variant.
Genome position (GRCh38, 1-based): chr16:88,429,124, G>A. VCF-style: chr16-88429124-G-A. GRCh37 (hg19) VCF-style: chr16-88495532-G-A.
Other names: NM_001127464.1:c.1654G>A; short protein forms G552R.
Identifiers: ClinVar variation 391482 (VCV000391482.6), dbSNP rs769955501, ClinGen allele CA8224692.

ClinVar aggregate classification (germline): Uncertain significance. Review status: criteria provided, multiple submitters, no conflicts (2 of 4 stars). 3 submissions from 3 submitters: Uncertain significance (3). Last evaluated 2025-11-18.

Conditions:
Cardiovascular phenotype. Identifiers: MedGen CN230736.

Allele frequency attached by ClinVar (database versions not stated): gnomAD exomes 0.00002 and 0.00003; TOPMed 0.00002; gnomAD 0.00003 and 0.00004; ExAC 0.00008; 1000 Genomes Project 30x 0.00016.
gnomAD v4.1: 35 of 1,549,946 alleles (0.0023%); highest among the groups gnomAD compares: South Asian, 0.0059%; no homozygotes.

Submissions (3):

Women's Health and Genetics/Laboratory Corporation of America, LabCorp
Classification: Uncertain significance. Last evaluated: 2025-11-18. Review status: criteria provided, single submitter. Criteria: LabCorp Variant Classification Summary - May 2015. Collection method: clinical testing. Allele origin: germline.
Comment: Variant summary: ZNF469 c.1654G>A (p.Gly552Arg) results in a non-conservative amino acid change in the encoded protein sequence. Algorithms developed to predict the effect of missense changes on protein structure and function are either unavailable or do not agree on the potential impact of this missense change. The variant allele was found at a frequency of 3.5e-05 in 143576 control chromosomes. The available data on variant occurrences in the general population are insufficient to allow any conclusion about variant significance. To our knowledge, no occurrence of c.1654G>A in individuals affected with ZNF469-related conditions and no experimental evidence demonstrating its impact on protein function have been reported. ClinVar contains an entry for this variant (Variation ID: 391482). Based on the evidence outlined above, the variant was classified as uncertain significance.

Ambry Genetics
Classification: Uncertain significance for Cardiovascular phenotype. Last evaluated: 2022-09-13. Review status: criteria provided, single submitter. Criteria: Ambry Variant Classification Scheme 2023. Collection method: clinical testing. Allele origin: germline.
Comment: The p.G552R variant (also known as c.1654G>A), located in coding exon 1 of the ZNF469 gene, results from a G to A substitution at nucleotide position 1654. The glycine at codon 552 is replaced by arginine, an amino acid with dissimilar properties. This amino acid position is not well conserved in available vertebrate species. In addition, this alteration is predicted to be tolerated by in silico analysis. Since supporting evidence is limited at this time, the clinical significance of this alteration remains unclear.

GeneDx
Classification: Uncertain significance. Last evaluated: 2020-10-28. Review status: criteria provided, single submitter. Criteria: GeneDx Variant Classification Process June 2021. Collection method: clinical testing. Allele origin: germline. Affected: yes.
Comment: Not observed at a significant frequency in large population cohorts (Lek et al., 2016); In silico analysis supports that this missense variant has a deleterious effect on protein structure/function; Has not been previously published as pathogenic or benign to our knowledge